The following is an entry in ClinVar:

ClinVar aggregate classification (germline): Pathogenic (1 of 4 stars; one submission).

Conditions:
Mowat-Wilson syndrome (MOWS). Also called: Classic Mowat-Wilson Syndrome. Identifiers: Orphanet 2152, MedGen C1856113, MONDO:0009341, OMIM 235730.

Submission:

Labcorp Genetics (formerly Invitae), Labcorp
Classification: Pathogenic for Mowat-Wilson syndrome. Last evaluated: 2023-06-09. Review status: criteria provided, single submitter. Criteria: Invitae Variant Classification Sherloc (09022015). Collection method: clinical testing. Allele origin: germline.
Comment: For these reasons, this variant has been classified as Pathogenic. This variant has not been reported in the literature in individuals affected with ZEB2-related conditions. This variant is not present in population databases (gnomAD no frequency). This sequence change creates a premature translational stop signal (p.Glu826*) in the ZEB2 gene. It is expected to result in an absent or disrupted protein product. Loss-of-function variants in ZEB2 are known to be pathogenic (PMID: 16053902).

Literature cited by the submitters: PubMed 16053902.

NM_014795.4(ZEB2):c.2476G>T (p.Glu826Ter)

Gene: ZEB2 (zinc finger E-box binding homeobox 2; minus strand). Cytogenetic location: 2q22.3.
Variant type: single nucleotide variant.
Coding change: c.2476G>T on transcript NM_014795.4 (MANE Select); coding-DNA position 2476, G replaced by T.
Protein change: p.Glu826Ter; replaces glutamic acid 826 with a stop codon.
Molecular consequence: nonsense.
Genome position (GRCh38, 1-based): chr2:144,398,711, C>A on the plus strand (G>T on the coding strand, the complement: ZEB2 is on the minus strand). VCF-style: chr2-144398711-C-A. GRCh37 (hg19) VCF-style: chr2-145156278-C-A.
Other names: c.2404G>T, p.Glu802Ter (NM_001171653.2); short protein forms E802*, E826*.
Identifiers: ClinVar variation 2786371 (VCV002786371.3), dbSNP rs2549105946, ClinGen allele CA348708193.